The following is an entry in ClinVar:

ClinVar aggregate classification (germline): Likely benign (1 of 4 stars; one submission).

Submission:

CeGaT Center for Human Genetics Tuebingen
Classification: Likely benign. Last evaluated: 2023-03-01. Review status: criteria provided, single submitter. Criteria: CeGaT Center For Human Genetics Tuebingen Variant Classification Criteria Version 2. Collection method: clinical testing. Allele origin: germline. Affected: yes. Observed: 1 variant allele.
Comment: SCYGR8: BP4, BP7

NM_001395409.1(SCYGR8):c.87C>T (p.Gly29=)

Gene: SCYGR8 (small cysteine and glycine repeat containing 8; plus strand). Cytogenetic location: 2q36.3.
Variant type: single nucleotide variant.
Coding change: c.87C>T on transcript NM_001395409.1 (MANE Select); coding-DNA position 87, C replaced by T.
Protein change: p.Gly29=; no amino-acid change (glycine 29 retained).
Molecular consequence: synonymous variant.
Genome position (GRCh38, 1-based): chr2:227,745,980, C>T. VCF-style: chr2-227745980-C-T. GRCh37 (hg19) VCF-style: chr2-228610696-C-T.
Identifiers: ClinVar variation 2651967 (VCV002651967.24), dbSNP rs372459122, ClinGen allele CA66660695.